The following is an entry in ClinVar:

NM_001077653.2(TBX20):c.155C>T (p.Ala52Val)

Gene: TBX20 (T-box transcription factor 20; minus strand). Cytogenetic location: 7p14.2.
Variant type: single nucleotide variant.
Coding change: c.155C>T on transcript NM_001077653.2 (MANE Select); coding-DNA position 155, C replaced by T.
Protein change: p.Ala52Val; replaces alanine 52 with valine.
Molecular consequence: missense variant.
Genome position (GRCh38, 1-based): chr7:35,250,176, G>A on the plus strand (C>T on the coding strand, the complement: TBX20 is on the minus strand). VCF-style: chr7-35250176-G-A. GRCh37 (hg19) VCF-style: chr7-35289788-G-A.
Other names: c.155C>T, p.Ala52Val (NM_001166220.1); short protein forms A52V.
Identifiers: ClinVar variation 2701967 (VCV002701967.3), dbSNP rs146370768, ClinGen allele CA4217566.

ClinVar aggregate classification (germline): Uncertain significance (1 of 4 stars; one submission).

Allele frequency attached by ClinVar (database versions not stated): TOPMed below 0.00001; ExAC 0.00001; ESP Exome Variant Server 0.00008.

Submission:

Labcorp Genetics (formerly Invitae), Labcorp
Classification: Uncertain significance. Last evaluated: 2023-06-09. Review status: criteria provided, single submitter. Criteria: Invitae Variant Classification Sherloc (09022015). Collection method: clinical testing. Allele origin: germline.
Comment: In summary, the available evidence is currently insufficient to determine the role of this variant in disease. Therefore, it has been classified as a Variant of Uncertain Significance. An algorithm developed to predict the effect of missense changes on protein structure and function (PolyPhen-2) suggests that this variant is likely to be tolerated. This variant has not been reported in the literature in individuals affected with TBX20-related conditions. This variant is not present in population databases (gnomAD no frequency). This sequence change replaces alanine, which is neutral and non-polar, with valine, which is neutral and non-polar, at codon 52 of the TBX20 protein (p.Ala52Val).